The following is an entry in ClinVar:

ClinVar aggregate classification (germline): Uncertain significance (1 of 4 stars; one submission).

Conditions:
Inborn genetic diseases. Identifiers: MedGen C0950123, MeSH D030342.

Allele frequency attached by ClinVar (database versions not stated): gnomAD exomes below 0.00001; TOPMed below 0.00001; gnomAD 0.00002.
gnomAD v4.1: 5 of 1,613,828 alleles (0.00031%); highest among the groups gnomAD compares: African/African-American, 0.0067%; no homozygotes.

Submission:

Ambry Genetics
Classification: Uncertain significance for Inborn genetic diseases. Last evaluated: 2023-11-14. Review status: criteria provided, single submitter. Criteria: Ambry Variant Classification Scheme 2023. Collection method: clinical testing. Allele origin: germline.
Comment: The p.G691D variant (also known as c.2072G>A), located in coding exon 13 of the EPAS1 gene, results from a G to A substitution at nucleotide position 2072. The glycine at codon 691 is replaced by aspartic acid, an amino acid with similar properties. This amino acid position is conserved. In addition, this alteration is predicted to be tolerated by in silico analysis. Since supporting evidence is limited at this time, the clinical significance of this alteration remains unclear.

NM_001430.5(EPAS1):c.2072G>A (p.Gly691Asp)

Gene: EPAS1 (endothelial PAS domain protein 1; plus strand). Cytogenetic location: 2p21.
Variant type: single nucleotide variant.
Coding change: c.2072G>A on transcript NM_001430.5 (MANE Select); coding-DNA position 2072, G replaced by A.
Protein change: p.Gly691Asp; replaces glycine 691 with aspartic acid.
Molecular consequence: missense variant.
Genome position (GRCh38, 1-based): chr2:46,381,622, G>A. VCF-style: chr2-46381622-G-A. GRCh37 (hg19) VCF-style: chr2-46608761-G-A.
Other names: short protein forms G691D.
Identifiers: ClinVar variation 1785414 (VCV001785414.2), dbSNP rs1438881613, ClinGen allele CA346705473.